The following is an entry in ClinVar:

ClinVar aggregate classification (germline): Conflicting classifications of pathogenicity. Review status: criteria provided, conflicting classifications (1 of 4 stars). 19 submissions from 17 submitters: Uncertain significance (3); Benign (7); Likely benign (6). 3 of the submissions do not count toward it. Last evaluated 2026-08-01.

Conditions:
SCN1A-related disorder. Also called: SCN1A-related conditions; SCN1A-related condition; SCN1A-related disorders.
Early-infantile DEE. Also called: Early infantile epileptic encephalopathy with suppression bursts; Ohtahara syndrome; Early infantile epileptic encephalopathy. Identifiers: Orphanet 1934, MedGen C0393706, MONDO:0800491.
Inborn genetic diseases. Identifiers: MedGen C0950123, MeSH D030342.
Self-limited epilepsy with centrotemporal spikes. Also called: Rolandic epilepsy; Childhood epilepsy with centrotemporal spikes. Identifiers: Orphanet 1945, MedGen C0376532, MONDO:0007295.
Migraine, familial hemiplegic, 3. Identifiers: Orphanet 569, MedGen C1864987, MONDO:0012320, OMIM 609634.
Generalized epilepsy with febrile seizures plus, type 2 (GEFSP2). Also called: GEFS+, TYPE 2. Identifiers: Orphanet 36387, MedGen C1858673, MONDO:0011461, OMIM 604403.
Severe myoclonic epilepsy in infancy (DRVT). Also called: DEVELOPMENTAL AND EPILEPTIC ENCEPHALOPATHY 6A; Severe Myoclonic Epilepsy in Infancy (SMEI); Dravet syndrome; SEVERE MYOCLONIC EPILEPSY OF INFANCY; Epileptic encephalopathy, early infantile, 6 (Dravet syndrome). Identifiers: Orphanet 33069, MedGen C0751122, MONDO:0100135, OMIM 607208.
Bilateral tonic-clonic seizure. Also called: Generalized tonic-clonic seizures. Identifiers: MedGen C0494475, HP:0002069.
Generalized non-motor (absence) seizure. Identifiers: MedGen C4316903, HP:0002121.
Seizure. Also called: Seizures. Identifiers: MedGen C0036572, HP:0001250.

Allele frequency attached by ClinVar (database versions not stated): ExAC 0.00177; gnomAD 0.00150 and 0.00159; gnomAD exomes 0.00165 and 0.00166; TOPMed 0.00114; ESP Exome Variant Server 0.00123.
gnomAD v4.1: 2,633 of 1,612,736 alleles (0.16%); highest among the groups gnomAD compares: Non-Finnish European, 0.19%; 11 homozygotes.

Submissions 1 to 15 of 30:

CeGaT Center for Human Genetics Tuebingen
Classification: Likely benign. Last evaluated: 2026-08-01. Review status: criteria provided, single submitter. Criteria: CeGaT Center For Human Genetics Tuebingen Variant Classification Criteria Version 2. Collection method: clinical testing. Allele origin: germline. Affected: yes. Observed: 47 variant alleles.
Comment: SCN1A: BP4, BS1

Labcorp Genetics (formerly Invitae), Labcorp
Classification: Benign for Early-infantile DEE. Last evaluated: 2026-01-28. Review status: criteria provided, single submitter. Criteria: Invitae Variant Classification Sherloc (09022015). Collection method: clinical testing. Allele origin: germline.

Laboratory of Genetics, Children's Clinical University Hospital Latvia
Classification: Benign. Last evaluated: 2025-02-16. Review status: criteria provided, single submitter. Criteria: ACMG Guidelines, 2015. Collection method: clinical testing. Allele origin: germline. Affected: yes.

Blueprint Genetics
Classification: Likely benign. Last evaluated: 2024-11-21. Review status: criteria provided, single submitter. Criteria: ACMG Guidelines, 2015. Collection method: clinical testing. Allele origin: germline.

Mendelics
Classification: Benign for Severe myoclonic epilepsy in infancy. Last evaluated: 2023-08-22. Review status: criteria provided, single submitter. Criteria: Mendelics Assertion Criteria 2019. Collection method: clinical testing. Allele origin: germline.

Mayo Clinic Laboratories, Mayo Clinic
Classification: Benign. Last evaluated: 2022-06-04. Review status: criteria provided, single submitter. Criteria: ACMG Guidelines, 2015. Collection method: clinical testing. Allele origin: germline. Observed: 3 variant alleles.
Comment: BS1, BS2, BP5, PP1, PS4_moderate

Women's Health and Genetics/Laboratory Corporation of America, LabCorp
Classification: Benign. Last evaluated: 2022-05-05. Review status: criteria provided, single submitter. Criteria: LabCorp Variant Classification Summary - May 2015. Collection method: clinical testing. Allele origin: germline.
Comment: Variant summary: SCN1A c.3521C>G (p.Thr1174Ser) results in a conservative amino acid change located in the Sodium ion transport-associated domain (IPR010526) of the encoded protein sequence. Five of five in-silico tools predict a benign effect of the variant on protein function. The variant allele was found at a frequency of 0.0017 in 251678 control chromosomes (gnomAD, Escayg_2001, Yordanova_2011, Cestele_2013), predominantly at a frequency of 0.0027 within the Non-Finnish European subpopulation in the gnomAD database, including 3 homozygotes. The observed variant frequency within Non-Finnish European control individuals in the gnomAD database is approximately 150-fold of the estimated maximal expected allele frequency for a pathogenic variant in SCN1A causing SCN1A-Related Seizure Disorder phenotype (1.8e-05), strongly suggesting that the variant is a benign polymorphism found primarily in populations of Non-Finnish European origin. c.3521C>G has been reported in the literature but evidence does not allow for unequivocal conclusions regarding association of the variant with disease. Specifically, the variant was found to segregate with SCN1A-Related Seizure Disorder in some families (e.g. Cestele_2013, Lal_2016), while in other families it was found in affected probands who had inherited it from their unaffected parents or in families with some affected and some unaffected carriers (e.g. Yordanova_2011, LeGal_2014, Lal_2016, Till_2020). In addition, co-occurring pathogenic variants have been reported in multiple affected individuals (SCN1A c.3637C>T, p.Arg1213X; GRIN2B c.1619G>A, p.R540H; SCN1A c.4219C>T, p.Arg1407X; SCN1A c.3677delT, p.Phe1226SerfsX2) (Internal testing, Lal_2016, Till_2020), providing supporting evidence for a benign role. Functional effects were divergent: positive shift of the activation curve and deceleration of recovery from fast inactivation, consistent with loss of function, and increase of persistent current (INaP), consistent with gain of function (Cestele_2013). However, it is uncertain to what extent and if these findings correlate with actual disease manifestation. Twelve ClinVar submitters have assessed the variant since 2014: eight classified the variant as benign/likely benign, three as of uncertain significance and one as pathogenic. Based on the evidence outlined above, the variant was classified as benign.

Institute of Human Genetics, University of Leipzig Medical Center
Classification: Benign for Generalized epilepsy with febrile seizures plus, type 2. Last evaluated: 2022-04-26. Review status: criteria provided, single submitter. Criteria: ACMG Guidelines, 2015. Collection method: clinical testing. Allele origin: germline. Affected: yes.

Genetic Services Laboratory, University of Chicago
Classification: Likely benign. Last evaluated: 2020-10-12. Review status: criteria provided, single submitter. Criteria: ACMG Guidelines, 2015. Collection method: clinical testing. Allele origin: germline. Affected: no.

GeneDx
Classification: Benign. Last evaluated: 2019-05-06. Review status: criteria provided, single submitter. Criteria: GeneDx Variant Classification Process June 2021. Collection method: clinical testing. Allele origin: germline. Affected: yes.
Comment: This variant is associated with the following publications: (PMID: 24842605, 24679980, 22780858, 25576396, 24664660, 23801004, 23398611, 11254445, 22550089, 18021921, 21396429, 26990884, 27017028, 26763045, 26236192, 20301562, 31782251, 31765958)

Ambry Genetics
Classification: Likely benign for Inborn genetic diseases. Last evaluated: 2018-07-17. Review status: criteria provided, single submitter. Criteria: Ambry Variant Classification Scheme 2023. Collection method: clinical testing. Allele origin: germline.

Eurofins Ntd Llc (ga)
Classification: Uncertain significance. Last evaluated: 2017-12-27. Review status: criteria provided, single submitter. Criteria: EGL Classification Definitions 2015. Collection method: clinical testing. Allele origin: germline. Observed: 10 variant alleles, 10 heterozygotes.

Illumina Laboratory Services, Illumina
Classification: Likely benign for Migraine, familial hemiplegic, 3. Last evaluated: 2017-04-27. Review status: criteria provided, single submitter. Criteria: ICSL Variant Classification Criteria 13 December 2019. Collection method: clinical testing. Allele origin: germline.
Comment: This variant was observed as part of a predisposition screen in an ostensibly healthy population. A literature search was performed for the gene, cDNA change, and amino acid change (where applicable). Publications were found based on this search. The evidence from the literature, in combination with allele frequency data from public databases where available, was sufficient to determine this variant is unlikely to cause disease. Therefore, this variant is classified as likely benign.

Illumina Laboratory Services, Illumina
Classification: Likely benign for Generalized epilepsy with febrile seizures plus, type 2. Last evaluated: 2017-04-27. Review status: criteria provided, single submitter. Criteria: ICSL Variant Classification Criteria 13 December 2019. Collection method: clinical testing. Allele origin: germline.
Comment: This variant was observed as part of a predisposition screen in an ostensibly healthy population. A literature search was performed for the gene, cDNA change, and amino acid change (where applicable). No publications were found based on this search. Allele frequency data from public databases allowed determination this variant is unlikely to cause disease. Therefore, this variant is classified as likely benign.

Centre for Mendelian Genomics, University Medical Centre Ljubljana
Classification: Uncertain significance for Migraine, familial hemiplegic, 3. Last evaluated: 2016-01-01. Review status: criteria provided, single submitter. Criteria: ACMG Guidelines, 2015. Collection method: clinical testing. Allele origin: unknown. Affected: yes.
Comment: This variant was classified as: Uncertain significance.

NM_001165963.4(SCN1A):c.3521C>G (p.Thr1174Ser)

Genes: SCN1A (sodium voltage-gated channel alpha subunit 1; minus strand), LOC102724058 (uncharacterized LOC102724058; plus strand). Cytogenetic location: 2q24.3.
Variant type: single nucleotide variant.
Coding change: c.3521C>G on transcript NM_001165963.4 (MANE Select); coding-DNA position 3521, C replaced by G.
Protein change: p.Thr1174Ser; replaces threonine 1174 with serine.
Molecular consequence: missense variant. On other transcripts: non-coding transcript variant (2).
Genome position (GRCh38, 1-based): chr2:166,015,636, G>C on the plus strand (C>G on the coding strand, the complement: SCN1A is on the minus strand). VCF-style: chr2-166015636-G-C. GRCh37 (hg19) VCF-style: chr2-166872146-G-C.
Other names: p.T1174S:ACT>AGT; c.3437C>G, p.Thr1146Ser (NM_001165964.3, NM_001353957.2, NM_001353958.2); c.3521C>G, p.Thr1174Ser (NM_001202435.3, NM_001353948.2); c.3488C>G, p.Thr1163Ser (NM_001353949.2, NM_001353950.2, NM_001353951.2 and 2 more transcripts); c.3485C>G, p.Thr1162Ser (NM_001353954.2, NM_001353955.2); c.3434C>G, p.Thr1145Ser (NM_001353960.2); c.1079C>G, p.Thr360Ser (NM_001353961.2); c.3521C>G (NM_001165963.3); short protein forms T1163S, T1174S, T360S, T1162S, T1145S, T1146S.
Identifiers: ClinVar variation 68616 (VCV000068616.72), dbSNP rs121918799, ClinGen allele CA221580.